The following is an entry in ClinVar:

ClinVar aggregate classification (germline): Conflicting classifications of pathogenicity. Review status: criteria provided, conflicting classifications (1 of 4 stars). 2 submissions from 2 submitters: Likely pathogenic (1); Uncertain significance (1). Last evaluated 2023-05-09.

Allele frequency attached by ClinVar (database versions not stated): gnomAD 0.00001; ExAC 0.00002; TOPMed 0.00002; gnomAD exomes 0.00006.

Submissions (2):

GeneDx
Classification: Likely pathogenic. Last evaluated: 2023-05-09. Review status: criteria provided, single submitter. Criteria: GeneDx Variant Classification Process June 2021. Collection method: clinical testing. Allele origin: germline. Affected: yes.
Comment: Nonsense variant predicted to result in protein truncation or nonsense mediated decay in a gene for which loss of function is a known mechanism of disease; Not observed at significant frequency in large population cohorts (gnomAD); Has not been previously published as pathogenic or benign to our knowledge

Labcorp Genetics (formerly Invitae), Labcorp
Classification: Uncertain significance. Last evaluated: 2022-04-11. Review status: criteria provided, single submitter. Criteria: Invitae Variant Classification Sherloc (09022015). Collection method: clinical testing. Allele origin: germline.
Comment: This sequence change creates a premature translational stop signal (p.Trp66*) in the PIGV gene. It is expected to result in an absent or disrupted protein product. However, the current clinical and genetic evidence is not sufficient to establish whether loss-of-function variants in PIGV cause disease. This variant is present in population databases (rs534283082, gnomAD 0.004%). This variant has not been reported in the literature in individuals affected with PIGV-related conditions. In summary, the available evidence is currently insufficient to determine the role of this variant in disease. Therefore, it has been classified as a Variant of Uncertain Significance.

NM_017837.4(PIGV):c.198G>A (p.Trp66Ter)

Gene: PIGV (phosphatidylinositol glycan anchor biosynthesis class V; plus strand). Cytogenetic location: 1p36.11.
Variant type: single nucleotide variant.
Coding change: c.198G>A on transcript NM_017837.4 (MANE Select); coding-DNA position 198, G replaced by A.
Protein change: p.Trp66Ter; replaces tryptophan 66 with a stop codon.
Molecular consequence: nonsense. On other transcripts: 5 prime UTR variant (1), non-coding transcript variant (2), intron variant (3).
Genome position (GRCh38, 1-based): chr1:26,794,232, G>A. VCF-style: chr1-26794232-G-A. GRCh37 (hg19) VCF-style: chr1-27120723-G-A.
Other names: c.198G>A, p.Trp66Ter (NM_001202554.2, NM_001374478.1, NM_001374480.1 and 2 more transcripts); c.-184G>A (NM_001374483.1); c.172+26G>A (NM_001374484.1, NM_001374485.1); c.79-3331G>A (NM_001374486.1); c.198G>A (NM_017837.3); short protein forms W66*.
Identifiers: ClinVar variation 2174770 (VCV002174770.2), dbSNP rs534283082, ClinGen allele CA708015.